The following is an entry in ClinVar:

NM_005045.4(RELN):c.9369+6G>A

Genes: RELN (reelin; minus strand), SLC26A5-AS1 (SLC26A5 antisense RNA 1; plus strand). Cytogenetic location: 7q22.1.
Variant type: single nucleotide variant.
Coding change: c.9369+6G>A on transcript NM_005045.4 (MANE Select); 6 bases into the intron after coding-DNA position 9369, G replaced by A.
Molecular consequence: intron variant.
Genome position (GRCh38, 1-based): chr7:103,495,717, C>T on the plus strand (G>A on the coding strand, the complement: RELN is on the minus strand). VCF-style: chr7-103495717-C-T. GRCh37 (hg19) VCF-style: chr7-103136164-C-T.
Other names: c.9369+6G>A (NM_173054.3).
Identifiers: ClinVar variation 2939513 (VCV002939513.3), dbSNP rs770317549, ClinGen allele CA2740097455.
Genomic context (GRCh38, chr7:103,495,717, plus strand): 5'-AACCATTCTCCCTCGAGGCCCCAAATGCAATGCTACTTTCTGTTTTAAAGAGCCACTTTT[C>T]CTTACTTTAAACTGCATCATGTATCCTGGCTGTATAATGAGTTCTCGGGAGGAGAGAGCA-3'

ClinVar aggregate classification (germline): Uncertain significance (1 of 4 stars; one submission).

Conditions:
Norman-Roberts syndrome (LIS2). Also called: Lissencephaly 2 (Norman-Roberts type). Identifiers: Orphanet 89844, MedGen C0796089, MONDO:0009760, OMIM 257320.
Familial temporal lobe epilepsy 7. Identifiers: Orphanet 101046, MedGen C4225327, MONDO:0014639, OMIM 616436.

Submission:

Labcorp Genetics (formerly Invitae), Labcorp
Classification: Uncertain significance for Familial temporal lobe epilepsy 7; Norman-Roberts syndrome. Last evaluated: 2024-01-28. Review status: criteria provided, single submitter. Criteria: Invitae Variant Classification Sherloc (09022015). Collection method: clinical testing. Allele origin: germline.
Comment: This sequence change falls in intron 57 of the RELN gene. It does not directly change the encoded amino acid sequence of the RELN protein. It affects a nucleotide within the consensus splice site. This variant is not present in population databases (gnomAD no frequency). This variant has not been reported in the literature in individuals affected with RELN-related conditions. Variants that disrupt the consensus splice site are a relatively common cause of aberrant splicing (PMID: 17576681, 9536098). Algorithms developed to predict the effect of sequence changes on RNA splicing suggest that this variant is not likely to affect RNA splicing. In summary, the available evidence is currently insufficient to determine the role of this variant in disease. Therefore, it has been classified as a Variant of Uncertain Significance.

Literature cited by the submitters: PubMed 17576681; PubMed 9536098.